The following is an entry in ClinVar:

NM_001134363.3(RBM20):c.1156C>A (p.Gln386Lys)

Gene: RBM20 (RNA binding motif protein 20; plus strand). Cytogenetic location: 10q25.2.
Variant type: single nucleotide variant.
Coding change: c.1156C>A on transcript NM_001134363.3 (MANE Select); coding-DNA position 1156, C replaced by A.
Protein change: p.Gln386Lys; replaces glutamine 386 with lysine.
Molecular consequence: missense variant.
Genome position (GRCh38, 1-based): chr10:110,781,765, C>A. VCF-style: chr10-110781765-C-A. GRCh37 (hg19) VCF-style: chr10-112541523-C-A.
Other names: short protein forms Q386K.
Identifiers: ClinVar variation 2770648 (VCV002770648.4), dbSNP rs794729143, ClinGen allele CA378385810.
Genomic context (GRCh38, chr10:110,781,765, plus strand): 5'-GGTCGGCTTAACAACAGCAAACAGGGTTTTATCGGTGCTGGGCGGAGGGCCAAGGAGGAC[C>A]AGGCGTTGCTATCTGTGCGGCCCCTGCAGGCTCATGAGCTGAACGACTTTCACGGTGTGG-3'
Protein context (NP_001127835.2, residues 376-396): IGAGRRAKED[Gln386Lys]ALLSVRPLQA

ClinVar aggregate classification (germline): Uncertain significance. Review status: criteria provided, multiple submitters, no conflicts (2 of 4 stars). 2 submissions from 2 submitters: Uncertain significance (2). Last evaluated 2026-03-15.

Conditions:
Cardiovascular phenotype. Identifiers: MedGen CN230736.
Dilated cardiomyopathy 1DD (CMD1DD). Identifiers: Orphanet 154, MedGen C2750995, MONDO:0013168, OMIM 613172.

Allele frequency attached by ClinVar (database versions not stated): TOPMed below 0.00001; gnomAD 0.00001; gnomAD exomes 0.00001.
gnomAD v4.1: 10 of 1,551,724 alleles (0.00064%); highest among the groups gnomAD compares: Non-Finnish European, 0.00087%; no homozygotes.

Submissions (2):

Ambry Genetics
Classification: Uncertain significance for Cardiovascular phenotype. Last evaluated: 2026-03-15. Review status: criteria provided, single submitter. Criteria: Ambry Variant Classification Scheme 2023. Collection method: clinical testing. Allele origin: germline.
Comment: The p.Q386K variant (also known as c.1156C>A), located in coding exon 2 of the RBM20 gene, results from a C to A substitution at nucleotide position 1156. The glutamine at codon 386 is replaced by lysine, an amino acid with similar properties. This amino acid position is conserved. In addition, this alteration is predicted to be tolerated by in silico analysis. Based on the available evidence, the clinical significance of this variant remains unclear.

Labcorp Genetics (formerly Invitae), Labcorp
Classification: Uncertain significance for Dilated cardiomyopathy 1DD. Last evaluated: 2023-12-09. Review status: criteria provided, single submitter. Criteria: Invitae Variant Classification Sherloc (09022015). Collection method: clinical testing. Allele origin: germline.
Comment: This sequence change replaces glutamine, which is neutral and polar, with lysine, which is basic and polar, at codon 386 of the RBM20 protein (p.Gln386Lys). This variant is not present in population databases (gnomAD no frequency). This variant has not been reported in the literature in individuals affected with RBM20-related conditions. Advanced modeling of protein sequence and biophysical properties (such as structural, functional, and spatial information, amino acid conservation, physicochemical variation, residue mobility, and thermodynamic stability) performed at Invitae indicates that this missense variant is not expected to disrupt RBM20 protein function with a negative predictive value of 95%. In summary, the available evidence is currently insufficient to determine the role of this variant in disease. Therefore, it has been classified as a Variant of Uncertain Significance.